The following is an entry in ClinVar:

ClinVar aggregate classification (germline): Uncertain significance. Review status: criteria provided, multiple submitters, no conflicts (2 of 4 stars). 2 submissions from 2 submitters: Uncertain significance (2). Last evaluated 2023-10-04.

Conditions:
Hereditary breast ovarian cancer syndrome. Also called: Hereditary breast and ovarian cancer syndrome; Hereditary breast and ovarian cancer; Hereditary breast and ovarian cancer syndrome (HBOC); Breast and ovarian cancer; Hereditary breast and/or ovarian cancer syndrome; BRCA1- and BRCA2-Associated Hereditary Breast and Ovarian Cancer. Identifiers: Orphanet 145, MedGen C0677776, MeSH D061325, MONDO:0003582. Disease mechanism: loss of function.
Hereditary cancer-predisposing syndrome. Also called: Neoplastic Syndromes, Hereditary; Tumor predisposition; Hereditary Cancer Syndrome; Hereditary neoplastic syndrome. Identifiers: Orphanet 140162, MedGen C0027672, MeSH D009386, MONDO:0015356.

Allele frequency attached by ClinVar (database versions not stated): gnomAD exomes below 0.00001.
gnomAD v4.1: 9 of 1,612,830 alleles (0.00056%); highest among the groups gnomAD compares: Non-Finnish European, 0.00076%; no homozygotes.

Submissions (2):

Labcorp Genetics (formerly Invitae), Labcorp
Classification: Uncertain significance for Hereditary breast ovarian cancer syndrome. Last evaluated: 2023-10-04. Review status: criteria provided, single submitter. Criteria: Invitae Variant Classification Sherloc (09022015). Collection method: clinical testing. Allele origin: germline.
Comment: This sequence change replaces aspartic acid, which is acidic and polar, with valine, which is neutral and non-polar, at codon 237 of the BRCA2 protein (p.Asp237Val). The frequency data for this variant in the population databases is considered unreliable, as metrics indicate poor data quality at this position in the gnomAD database. This variant has not been reported in the literature in individuals affected with BRCA2-related conditions. ClinVar contains an entry for this variant (Variation ID: 481538). Advanced modeling of protein sequence and biophysical properties (such as structural, functional, and spatial information, amino acid conservation, physicochemical variation, residue mobility, and thermodynamic stability) performed at Invitae indicates that this missense variant is not expected to disrupt BRCA2 protein function. In summary, the available evidence is currently insufficient to determine the role of this variant in disease. Therefore, it has been classified as a Variant of Uncertain Significance.

Ambry Genetics
Classification: Uncertain significance for Hereditary cancer-predisposing syndrome. Last evaluated: 2016-04-28. Review status: criteria provided, single submitter. Criteria: Ambry Variant Classification Scheme 2023. Collection method: clinical testing. Allele origin: germline.
Comment: The p.D237V variant (also known as c.710A>T), located in coding exon 8 of the BRCA2 gene, results from an A to T substitution at nucleotide position 710. The aspartic acid at codon 237 is replaced by valine, an amino acid with highly dissimilar properties. This variant was not reported in population based cohorts in the following databases: Database of Single Nucleotide Polymorphisms (dbSNP), NHLBI Exome Sequencing Project (ESP), and 1000 Genomes Project. In the ESP, this variant was not observed in 6503 samples (13006 alleles) with coverage at this position. To date, this alteration has been detected with an allele frequency of approximately 0.0004% (greater than 225000 alleles tested) in our clinical cohort. This amino acid position is not well conserved in available vertebrate species. In addition, this alteration is predicted to be tolerated by in silico analysis. Since supporting evidence is limited at this time, the clinical significance of this alteration remains unclear.

NM_000059.4(BRCA2):c.710A>T (p.Asp237Val)

Gene: BRCA2 (BRCA2 DNA repair associated; plus strand). Cytogenetic location: 13q13.1.
Variant type: single nucleotide variant.
Coding change: c.710A>T on transcript NM_000059.4 (MANE Select); coding-DNA position 710, A replaced by T.
Protein change: p.Asp237Val; replaces aspartic acid 237 with valine.
Molecular consequence: missense variant.
Genome position (GRCh38, 1-based): chr13:32,330,947, A>T. VCF-style: chr13-32330947-A-T. GRCh37 (hg19) VCF-style: chr13-32905084-A-T.
Other names: short protein forms D237V.
Identifiers: ClinVar variation 481538 (VCV000481538.16), dbSNP rs730881506, ClinGen allele CA387759945.
Genomic context (GRCh38, chr13:32,330,947, plus strand): 5'-ATACTAGTGATTTTAAACTATAATTTTTGCAGAATGTGAAAAGCTATTTTTCCAATCATG[A>T]TGAAAGTCTGAAGAAAAATGATAGATTTATCGCTTCTGTGACAGACAGTGAAAACACAAA-3'
Protein context (NP_000050.3, residues 227-247): ANVKSYFSNH[Asp237Val]ESLKKNDRFI